The following is an entry in ClinVar:

ClinVar aggregate classification (germline): Conflicting classifications of pathogenicity. Review status: criteria provided, conflicting classifications (1 of 4 stars). 7 submissions from 7 submitters: Uncertain significance (6); Likely benign (1). Last evaluated 2026-06-03.

Conditions:
PLEC-related disorder. Also called: PLEC-related disorders; PLEC-related condition.
Epidermolysis bullosa simplex 5C, with pyloric atresia (EBS5C). Also called: PLEC-Related Epidermolysis Bullosa with Pyloric Atresia; PLEC1-Related Epidermolysis Bullosa with Pyloric Atresia; Epidermolysis bullosa simplex with pyloric atresia. Identifiers: Orphanet 158684, MedGen C2677349, MONDO:0012807, OMIM 612138.
Epidermolysis bullosa simplex, Ogna type (EBS5A). Also called: Pidermolysis bullosa simplex 5A, Ogna type; EPIDERMOLYSIS BULLOSA SIMPLEX 5A, OGNA TYPE. Identifiers: Orphanet 79401, MedGen C0432317, MONDO:0007555, OMIM 131950.
Epidermolysis bullosa simplex 5B, with muscular dystrophy (EBS5B). Also called: Epidermolysis bullosa simplex with muscular dystrophy; EPIDERMOLYSIS BULLOSA SIMPLEX AND LIMB-GIRDLE MUSCULAR DYSTROPHY. Identifiers: Orphanet 257, MedGen C2931072, MONDO:0009181, OMIM 226670.
Epidermolysis bullosa simplex with nail dystrophy (EBS5D). Identifiers: MedGen C4225309, MONDO:0014661, OMIM 616487.
Autosomal recessive limb-girdle muscular dystrophy type 2Q (LGMDR17). Also called: MUSCULAR DYSTROPHY, LIMB-GIRDLE, AUTOSOMAL RECESSIVE 17. Identifiers: Orphanet 254361, MedGen C3150989, MONDO:0013390, OMIM 613723.
Inborn genetic diseases. Identifiers: MedGen C0950123, MeSH D030342.

Allele frequency attached by ClinVar (database versions not stated): TOPMed 0.00001; ExAC 0.00004; gnomAD exomes 0.00004 and 0.00010.
gnomAD v4.1: 27 of 1,613,096 alleles (0.0017%); highest among the groups gnomAD compares: Admixed American, 0.045%; no homozygotes.

Submissions (7):

PreventionGenetics, part of Exact Sciences
Classification: Uncertain significance for PLEC-related condition. Last evaluated: 2026-06-03. Review status: criteria provided, single submitter. Criteria: ACMG Guidelines, 2015. Collection method: clinical testing. Allele origin: germline.
Comment: The PLEC c.11096G>C variant is predicted to result in the amino acid substitution p.Ser3699Thr. To our knowledge, this variant has not been reported in the literature. This variant is reported in 0.072% of alleles in individuals of Latino descent in gnomAD. Although we suspect that this variant may be benign, at this time, the clinical significance of this variant is uncertain due to the absence of conclusive functional and genetic evidence.

Labcorp Genetics (formerly Invitae), Labcorp
Classification: Uncertain significance for Autosomal recessive limb-girdle muscular dystrophy type 2Q; Epidermolysis bullosa simplex, Ogna type; Epidermolysis bullosa simplex with nail dystrophy; Epidermolysis bullosa simplex 5C, with pyloric atresia; Epidermolysis bullosa simplex 5B, with muscular dystrophy. Last evaluated: 2026-01-13. Review status: criteria provided, single submitter. Criteria: Invitae Variant Classification Sherloc (09022015). Collection method: clinical testing. Allele origin: germline.
Comment: This sequence change replaces serine, which is neutral and polar, with threonine, which is neutral and polar, at codon 3699 of the PLEC protein (p.Ser3699Thr). This variant is present in population databases (rs782767733, gnomAD 0.07%). This variant has not been reported in the literature in individuals affected with PLEC-related conditions. ClinVar contains an entry for this variant (Variation ID: 593592). An algorithm developed to predict the effect of missense changes on protein structure and function outputs the following: PolyPhen-2: "Benign". The threonine amino acid residue is found in multiple mammalian species, which suggests that this missense change does not adversely affect protein function. In summary, the available evidence is currently insufficient to determine the role of this variant in disease. Therefore, it has been classified as a Variant of Uncertain Significance.

Ambry Genetics
Classification: Uncertain significance for Inborn genetic diseases. Last evaluated: 2025-01-17. Review status: criteria provided, single submitter. Criteria: Ambry Variant Classification Scheme 2023. Collection method: clinical testing. Allele origin: germline.

Greenwood Genetic Center Diagnostic Laboratories, Greenwood Genetic Center
Classification: Uncertain significance. Last evaluated: 2022-06-20. Review status: criteria provided, single submitter. Criteria: ACMG Guidelines, 2015. Collection method: clinical testing. Allele origin: germline. Affected: yes.
Comment: PM2, BP4

GeneDx
Classification: Likely benign. Last evaluated: 2021-01-15. Review status: criteria provided, single submitter. Criteria: GeneDx Variant Classification Process June 2021. Collection method: clinical testing. Allele origin: germline. Affected: yes.
Comment: In silico analysis, which includes protein predictors and evolutionary conservation, supports that this variant does not alter protein structure/function; Has not been previously published as pathogenic or benign to our knowledge

Revvity Omics, Revvity
Classification: Uncertain significance. Last evaluated: 2020-11-02. Review status: criteria provided, single submitter. Criteria: ACMG Guidelines, 2015. Collection method: clinical testing. Allele origin: germline.

Eurofins Ntd Llc (ga)
Classification: Uncertain significance. Last evaluated: 2017-08-11. Review status: criteria provided, single submitter. Criteria: EGL Classification Definitions 2015. Collection method: clinical testing. Allele origin: germline. Observed: 1 variant allele, 1 heterozygote.

NM_201384.3(PLEC):c.11015G>C (p.Ser3672Thr)

Gene: PLEC (plectin; minus strand). Cytogenetic location: 8q24.3.
Variant type: single nucleotide variant.
Coding change: c.11015G>C on transcript NM_201384.3 (MANE Select); coding-DNA position 11015, G replaced by C.
Protein change: p.Ser3672Thr; replaces serine 3672 with threonine.
Molecular consequence: missense variant.
Genome position (GRCh38, 1-based): chr8:143,918,806, C>G on the plus strand (G>C on the coding strand, the complement: PLEC is on the minus strand). VCF-style: chr8-143918806-C-G. GRCh37 (hg19) VCF-style: chr8-144992974-C-G.
Other names: c.11096G>C, p.Ser3699Thr (NM_000445.5); c.10973G>C, p.Ser3658Thr (NM_201378.4); c.10949G>C, p.Ser3650Thr (NM_201379.3); c.11426G>C, p.Ser3809Thr (NM_201380.4); c.10919G>C, p.Ser3640Thr (NM_201381.3); c.11015G>C, p.Ser3672Thr (NM_201382.4); c.11027G>C, p.Ser3676Thr (NM_201383.3); short protein forms S3809T, S3650T, S3658T, S3676T, S3699T, S3640T, S3672T.
Identifiers: ClinVar variation 593592 (VCV000593592.23), dbSNP rs782767733, ClinGen allele CA4924460.